The following is an entry in ClinVar:

ClinVar aggregate classification (germline): Pathogenic/Likely pathogenic. Review status: criteria provided, multiple submitters, no conflicts (2 of 4 stars). 5 submissions from 5 submitters: Pathogenic (2); Likely pathogenic (1). 2 of the submissions do not count toward it. Last evaluated 2025-06-05.

Conditions:
Methylmalonic aciduria due to methylmalonyl-CoA mutase deficiency (MAMM). Also called: Methylmalonic aciduria, mut type. Identifiers: Orphanet 27, MedGen C1855114, MONDO:0009612, OMIM 251000.
Methylmalonic aciduria due to complete methylmalonyl-CoA mutase deficiency.

Submissions (5):

Natera, Inc.
Classification: Pathogenic for Methylmalonic aciduria due to complete methylmalonyl-CoA mutase deficiency. Last evaluated: 2025-06-05. Review status: criteria provided, single submitter. Criteria: Natera Variant Classification Schema (03/2026). Collection method: clinical testing. Allele origin: germline.
Comment: The c.1038_1040delTCT variant in MMUT is an in-frame deletion predicted to remove leucine at amino acid 347 while preserving the reading frame. This variant is rare in the general population with a frequency below the threshold expected for the associated phenotype(s). This variant has been observed in one or more individuals affected with the associated recessive disease, as either homozygous or compound heterozygous with a second variant (PMID: 15643616, 33453710, 16435223). Computational prediction algorithms indicate this variant is likely to affect gene or protein function. Given the available evidence, this variant is classified as Pathogenic.

Labcorp Genetics (formerly Invitae), Labcorp
Classification: Pathogenic. Last evaluated: 2023-12-21. Review status: criteria provided, single submitter. Criteria: Invitae Variant Classification Sherloc (09022015). Collection method: clinical testing. Allele origin: germline.
Comment: This variant, c.1038_1040del, results in the deletion of 1 amino acid(s) of the MUT protein (p.Leu347del), but otherwise preserves the integrity of the reading frame. This variant is present in population databases (rs765373403, gnomAD 0.006%). This variant has been observed in individual(s) with methylmalonic acidemia (PMID: 15643616, 15781192, 16281286, 26790480). This variant is also known as c.1036-1038delCTT, p.L346del. ClinVar contains an entry for this variant (Variation ID: 225184). Experimental studies and prediction algorithms are not available or were not evaluated, and the functional significance of this variant is currently unknown. For these reasons, this variant has been classified as Pathogenic.

Fulgent Genetics
Classification: Likely pathogenic for Methylmalonic aciduria due to methylmalonyl-CoA mutase deficiency. Last evaluated: 2021-11-02. Review status: criteria provided, single submitter. Criteria: ACMG Guidelines, 2015. Collection method: clinical testing. Allele origin: unknown.

Counsyl
Classification: Likely pathogenic for Methylmalonic aciduria due to methylmalonyl-CoA mutase deficiency. Last evaluated: 2018-04-19. Review status: no assertion criteria provided. Collection method: clinical testing. Allele origin: unknown. Not counted in ClinVar's aggregate classification.

Institute of Medical Genetics and Genomics, Sir Ganga Ram Hospital
Classification: Pathogenic for Methylmalonic aciduria due to methylmalonyl-CoA mutase deficiency. Last evaluated: 2013-05-05. Review status: no assertion criteria provided. Collection method: research. Allele origin: germline. Affected: yes. Observed: 1 variant allele. Study: ORGANIC ACIDURIAS. Not counted in ClinVar's aggregate classification.
Comment: Deletion mutation

Literature cited by the submitters: PubMed 15643616 (cited by 3 submitters); PubMed 33453710 (cited by Natera, Inc.); PubMed 16435223 (cited by Natera, Inc.); PubMed 15781192 (cited by Labcorp Genetics (formerly Invitae), Labcorp and Counsyl); PubMed 16281286 (cited by Labcorp Genetics (formerly Invitae), Labcorp and Counsyl); PubMed 26790480 (cited by Labcorp Genetics (formerly Invitae), Labcorp); PubMed 26270765 (cited by Counsyl); PubMed 9554742 (cited by Institute of Medical Genetics and Genomics, Sir Ganga Ram Hospital).

NM_000255.4(MMUT):c.1032TCT[2] (p.Leu347del)

Gene: MMUT (methylmalonyl-CoA mutase; minus strand). Cytogenetic location: 6p12.3.
Variant type: Microsatellite.
Coding change: c.1032TCT[2] on transcript NM_000255.4 (MANE Select); two copies in a row of the 3-base unit TCT starting at c.1032; the reference has three copies in a row; one copy, 3 bases deleted; also written c.1038_1040del.
Protein change: p.Leu347del; deletes leucine 347.
Molecular consequence: inframe deletion.
Genome position (GRCh38, 1-based): chr6:49,453,628-49,453,630, AGA deleted on the plus strand (TCT on the coding strand, the reverse complement: MMUT is on the minus strand); deleting any 3 consecutive bases within chr6:49,453,628-49,453,636 gives the same sequence; the position shown is the placement nearest the transcript's 3' end. VCF-style (leftmost placement, unchanged base first): chr6-49453627-TAGA-T. GRCh37 (hg19) VCF-style: chr6-49421340-TAGA-T.
Other names: c.1038_1040del (NM_000255.3, NM_000255.4); short protein forms L347del.
Identifiers: ClinVar variation 225184 (VCV000225184.13), dbSNP rs765373403, ClinGen allele CA355004.